The following is an entry in ClinVar:

ClinVar aggregate classification (germline): Pathogenic (1 of 4 stars; one submission).

Conditions:
Cohen syndrome (COH1). Also called: Cutis verticis gyrata, retinitis pigmentosa, and sensorineural deafness; PEPPER SYNDROME. Identifiers: Orphanet 193, MedGen C0265223, MONDO:0008999, OMIM 216550.

Submission:

Labcorp Genetics (formerly Invitae), Labcorp
Classification: Pathogenic for Cohen syndrome. Last evaluated: 2022-09-06. Review status: criteria provided, single submitter. Criteria: Invitae Variant Classification Sherloc (09022015). Collection method: clinical testing. Allele origin: germline.
Comment: For these reasons, this variant has been classified as Pathogenic. This variant disrupts a region of the VPS13B protein in which other variant(s) (Deletion of Exons 26-32) have been determined to be pathogenic (PMID: 29634382). This suggests that this is a clinically significant region of the protein, and that variants that disrupt it are likely to be disease-causing. This variant has not been reported in the literature in individuals affected with VPS13B-related conditions. This variant is a gross deletion of the genomic region encompassing exon(s) 25-37 of the VPS13B gene. This variant would be expected to be in-frame, preserving the integrity of the reading frame.

Literature cited by the submitters: PubMed 29634382.

NC_000008.10:g.(?_100493807)_(100729621_?)del

Gene: VPS13B (vacuolar protein sorting 13 homolog B; plus strand). Cytogenetic location: 8q22.2.
Variant type: Deletion.
Identifiers: ClinVar variation 2426389 (VCV002426389.4).